The following is an entry in ClinVar:

ClinVar aggregate classification (germline): Likely pathogenic. Review status: criteria provided, single submitter (1 of 4 stars). 2 submissions from 2 submitters: Likely pathogenic (1). 1 of the submissions does not count toward it. Last evaluated 2023-01-03.

Conditions:
Developmental and epileptic encephalopathy 91. Also called: EPILEPTIC ENCEPHALOPATHY, INFANTILE OR EARLY CHILDHOOD, 1. Identifiers: MedGen C4540199, MONDO:0020630, OMIM 617711.

Submissions (2):

Greenwood Genetic Center Diagnostic Laboratories, Greenwood Genetic Center
Classification: Likely pathogenic for Developmental and epileptic encephalopathy 91. Last evaluated: 2023-01-03. Review status: criteria provided, single submitter. Criteria: ACMG Guidelines, 2015. Collection method: clinical testing. Allele origin: germline. Affected: yes.
Comment: PS4_Supporting, PM1, PM2, PM6, PP2, PP3

OMIM
Classification: Pathogenic for DEVELOPMENTAL AND EPILEPTIC ENCEPHALOPATHY 91. Last evaluated: 2021-03-15. Review status: no assertion criteria provided. Collection method: literature only. Allele origin: germline. Not counted in ClinVar's aggregate classification.

Literature cited by the submitters: PubMed 28942967 (cited by OMIM).

NM_000944.5(PPP3CA):c.843C>G (p.His281Gln)

Gene: PPP3CA (protein phosphatase 3 catalytic subunit alpha; minus strand). Cytogenetic location: 4q24.
Variant type: single nucleotide variant.
Coding change: c.843C>G on transcript NM_000944.5 (MANE Select); coding-DNA position 843, C replaced by G.
Protein change: p.His281Gln; replaces histidine 281 with glutamine.
Molecular consequence: missense variant.
Genome position (GRCh38, 1-based): chr4:101,083,203, G>C on the plus strand (C>G on the coding strand, the complement: PPP3CA is on the minus strand). VCF-style: chr4-101083203-G-C. GRCh37 (hg19) VCF-style: chr4-102004360-G-C.
Other names: c.843C>G, p.His281Gln (NM_001130691.2, NM_001130692.2); short protein forms H281Q.
Identifiers: ClinVar variation 441274 (VCV000441274.4), dbSNP rs199706529, ClinGen allele CA357948414.
Genomic context (GRCh38, chr4:101,083,203, plus strand): 5'-AATGGACAATGCATGGTTTTTATAAATGCTCAAAACTGCTCACCCTGCATCTTGGGCTTC[G>C]TGGGCTCGGAGTATAGATAACAAGTTATTGTGCTGTAAGAATTCACATACAGCCGGGTAA-3'
Protein context (NP_000935.1, residues 271-291): HNNLLSILRA[His281Gln]EAQDAGYRMY